The following is an entry in ClinVar:

ClinVar aggregate classification (somatic clinical impact): Tier II - Potential (1 of 4 stars; one submission).

Conditions:
Astrocytoma IDH-mutant. Identifiers: MedGen C5669733.

Submission:

Institute for Genomic Medicine (IGM) Clinical Laboratory, Nationwide Children's Hospital
Classification: Tier II - Potential for Astrocytoma IDH-mutant. Assertion type: diagnostic. Clinical significance: supports diagnosis. Last evaluated: 2023-10-22. Review status: criteria provided, single submitter. Criteria: AMP/ASCO/CAP Guidelines, 2017. Collection method: clinical testing. Allele origin: somatic. Affected: yes.
Comment: Variant has Tier II (potential) clinical significance as a diagnostic inclusion criterion in Astrocytoma IDH-mutant, based on the following evidence: 1) Documented in one or more cancer databases (e.g., St. Jude Pecan, COSMIC, CIViC, OncoKB). 2) Assists in diagnosis alone or along with other biomarkers based on small studies or few case reports (Evidence Level D; PMIDs: 37185778, 35604410, 30710203).

Literature cited by the submitters: PubMed 37185778; PubMed 35604410; PubMed 30710203.

NM_006015.6(ARID1A):c.6364del (p.Leu2122fs)

Gene: ARID1A (AT-rich interaction domain 1A; plus strand). Cytogenetic location: 1p36.11.
Variant type: Deletion.
Coding change: c.6364del on transcript NM_006015.6 (MANE Select); coding-DNA position 6364, one base deleted (C; older notation c.6364delC).
Protein change: p.Leu2122fs; shifts the reading frame from leucine 2122.
Molecular consequence: frameshift variant.
Genome position (GRCh38, 1-based): chr1:26,780,262, C deleted; the last of 3 consecutive C bases (chr1:26,780,260-26,780,262); deleting any one gives the same sequence. VCF-style (leftmost placement, unchanged base first): chr1-26780259-AC-A. GRCh37 (hg19) VCF-style: chr1-27106750-AC-A.
Other names: c.5713del, p.Leu1905fs (NM_139135.4); short protein forms L1905fs, L2122fs.
Identifiers: ClinVar variation 4530201 (VCV004530201.1).
Genomic context (GRCh38, chr1:26,780,259, plus strand): 5'-GACCCCTTTTCCACCCTGGGCCCCAATGCCGTCCTTTCCCCGCAGAGACTGGTCTTGGAA[AC>A]CCTCAGCAAACTCAGCATCCAGGACAACAATGTGGACCTGATTCTGGCCACACCCCCCTT-3'